The following is an entry in ClinVar:

NM_004310.5(RHOH):c.422A>G (p.Gln141Arg)

Gene: RHOH (ras homolog family member H; plus strand). Cytogenetic location: 4p14.
Variant type: single nucleotide variant.
Coding change: c.422A>G on transcript NM_004310.5 (MANE Select); coding-DNA position 422, A replaced by G.
Protein change: p.Gln141Arg; replaces glutamine 141 with arginine.
Molecular consequence: missense variant.
Genome position (GRCh38, 1-based): chr4:40,243,808, A>G. VCF-style: chr4-40243808-A-G. GRCh37 (hg19) VCF-style: chr4-40245428-A-G.
Other names: c.422A>G, p.Gln141Arg (NM_001278359.2, NM_001278360.2, NM_001278361.2 and 8 more transcripts); short protein forms Q141R.
Identifiers: ClinVar variation 1482421 (VCV001482421.5), dbSNP rs2109592369, ClinGen allele CA356782574.
Genomic context (GRCh38, chr4:40,243,808, plus strand): 5'-GGGAGATGGGGCCCCACAGGGCCTCCTGCGTCAATGCCATGGAAGGGAAGAAACTGGCCC[A>G]GGATGTCAGAGCCAAGGGCTACCTGGAGTGCTCAGCCCTTAGCAATCGGGGAGTACAGCA-3'
Protein context (NP_004301.1, residues 131-151): VNAMEGKKLA[Gln141Arg]DVRAKGYLEC

ClinVar aggregate classification (germline): Uncertain significance (1 of 4 stars; one submission).

Conditions:
T-cell immunodeficiency with epidermodysplasia verruciformis. Identifiers: Orphanet 324294, MedGen C4749500, MONDO:0017925.

Allele frequency attached by ClinVar (database versions not stated): gnomAD exomes below 0.00001.
gnomAD v4.1: 1 of 1,614,184 alleles (0.000062%); highest among the groups gnomAD compares: Non-Finnish European, 0.000085%; no homozygotes.

Submission:

Labcorp Genetics (formerly Invitae), Labcorp
Classification: Uncertain significance for T-cell immunodeficiency with epidermodysplasia verruciformis. Last evaluated: 2022-04-09. Review status: criteria provided, single submitter. Criteria: Invitae Variant Classification Sherloc (09022015). Collection method: clinical testing. Allele origin: germline.
Comment: This sequence change replaces glutamine, which is neutral and polar, with arginine, which is basic and polar, at codon 141 of the RHOH protein (p.Gln141Arg). This variant is not present in population databases (gnomAD no frequency). This variant has not been reported in the literature in individuals affected with RHOH-related conditions. Algorithms developed to predict the effect of missense changes on protein structure and function (SIFT, PolyPhen-2, Align-GVGD) all suggest that this variant is likely to be tolerated. In summary, the available evidence is currently insufficient to determine the role of this variant in disease. Therefore, it has been classified as a Variant of Uncertain Significance.